The following is an entry in ClinVar:

NM_017617.5(NOTCH1):c.7203C>T (p.Asn2401=)

Gene: NOTCH1 (notch receptor 1; minus strand). Cytogenetic location: 9q34.3.
Variant type: single nucleotide variant.
Coding change: c.7203C>T on transcript NM_017617.5 (MANE Select); coding-DNA position 7203, C replaced by T.
Protein change: p.Asn2401=; no amino-acid change (asparagine 2401 retained).
Molecular consequence: synonymous variant.
Genome position (GRCh38, 1-based): chr9:136,496,536, G>A on the plus strand (C>T on the coding strand, the complement: NOTCH1 is on the minus strand). VCF-style: chr9-136496536-G-A. GRCh37 (hg19) VCF-style: chr9-139390988-G-A.
Other names: p.Asn2401=; c.7203C>T, p.Asn2401= (LRG_1122t1).
Identifiers: ClinVar variation 518124 (VCV000518124.13), dbSNP rs756434740, ClinGen allele CA5339732.
Genomic context (GRCh38, chr9:136,496,536, plus strand): 5'-CACGCCAAGGTGCGGCTGTGGTGGTGGTGGTGGCGGCTGCAGGCTTTGCTGCTGCTGGAT[G>A]TTTGCTGGCTGCAGGTTCTGCTGCTGCATCTGTAAGTTTTGTGGCTGCACCTGCTGGGTC-3'
Protein context (NP_060087.3, residues 2391-2411): QMQQQNLQPA[Asn2401=]IQQQQSLQPP

ClinVar aggregate classification (germline): Likely benign. Review status: criteria provided, multiple submitters, no conflicts (2 of 4 stars). 6 submissions from 5 submitters: Likely benign (6). Last evaluated 2025-12-16.

Conditions:
Adams-Oliver syndrome 5 (AOS5). Identifiers: Orphanet 974, MedGen C4014970, MONDO:0014459, OMIM 616028.
Familial thoracic aortic aneurysm and aortic dissection (TAAD). Also called: Thoracic aortic aneurysms and dissections. Identifiers: Orphanet 91387, MedGen C4707243, MONDO:0019625.
Aortic valve disease 1 (AOVD1). Identifiers: MedGen C3887892, MONDO:0024523, OMIM 109730.

Allele frequency attached by ClinVar (database versions not stated): ExAC 0.00002; gnomAD exomes 0.00002; TOPMed 0.00002; gnomAD 0.00003 and 0.00004.
gnomAD v4.1: 35 of 1,607,622 alleles (0.0022%); highest among the groups gnomAD compares: Non-Finnish European, 0.0027%; no homozygotes.

Submissions (6):

Labcorp Genetics (formerly Invitae), Labcorp
Classification: Likely benign for Adams-Oliver syndrome 5. Last evaluated: 2025-12-16. Review status: criteria provided, single submitter. Criteria: Invitae Variant Classification Sherloc (09022015). Collection method: clinical testing. Allele origin: germline.

Mayo Clinic Laboratories, Mayo Clinic
Classification: Likely benign. Last evaluated: 2025-02-28. Review status: criteria provided, single submitter. Criteria: ACMG Guidelines, 2015. Collection method: clinical testing. Allele origin: germline. Observed: 1 variant allele.

Genome-Nilou Lab
Classification: Likely benign for Adams-Oliver syndrome 5. Last evaluated: 2022-03-15. Review status: criteria provided, single submitter. Criteria: ACMG Guidelines, 2015. Collection method: clinical testing. Allele origin: germline. Affected: no.

Genome-Nilou Lab
Classification: Likely benign for Aortic valve disease 1. Last evaluated: 2022-03-15. Review status: criteria provided, single submitter. Criteria: ACMG Guidelines, 2015. Collection method: clinical testing. Allele origin: germline. Affected: no.

Ambry Genetics
Classification: Likely benign for Familial thoracic aortic aneurysm and aortic dissection. Last evaluated: 2021-01-07. Review status: criteria provided, single submitter. Criteria: Ambry Variant Classification Scheme 2023. Collection method: clinical testing. Allele origin: germline.

GeneDx
Classification: Likely benign. Last evaluated: 2017-06-21. Review status: criteria provided, single submitter. Criteria: GeneDx Variant Classification (06012015). Collection method: clinical testing. Allele origin: germline. Affected: yes.
Comment: This variant is considered likely benign or benign based on one or more of the following criteria: it is a conservative change, it occurs at a poorly conserved position in the protein, it is predicted to be benign by multiple in silico algorithms, and/or has population frequency not consistent with disease.